The following is an entry in ClinVar:

ClinVar aggregate classification (germline): Pathogenic (1 of 4 stars; one submission).

Conditions:
LAMA2-related muscular dystrophy (LAMA2-RD). Also called: Laminin alpha 2-related dystrophy. Identifiers: MedGen C5679788, MONDO:0100228.

Allele frequency attached by ClinVar (database versions not stated): gnomAD exomes below 0.00001; ExAC 0.00001.
gnomAD v4.1: 1 of 1,614,132 alleles (0.000062%); highest among the groups gnomAD compares: Non-Finnish European, 0.000085%; no homozygotes.

Submission:

Women's Health and Genetics/Laboratory Corporation of America, LabCorp
Classification: Pathogenic for LAMA2-related muscular dystrophy. Last evaluated: 2024-04-15. Review status: criteria provided, single submitter. Criteria: LabCorp Variant Classification Summary - May 2015. Collection method: clinical testing. Allele origin: germline.
Comment: Variant summary: LAMA2 c.258C>A (p.Cys86X) results in a premature termination codon, predicted to cause a truncation of the encoded protein or absence of the protein due to nonsense mediated decay, which are commonly known mechanisms for disease. The variant allele was found at a frequency of 4e-06 in 251476 control chromosomes (gnomAD). To our knowledge, no occurrence of c.258C>A in individuals affected with Laminin Alpha 2-Related Dystrophy and no experimental evidence demonstrating its impact on protein function have been reported. No submitters have cited clinical-significance assessments for this variant to ClinVar. Based on the evidence outlined above, the variant was classified as pathogenic.

NM_000426.4(LAMA2):c.258C>A (p.Cys86Ter)

Gene: LAMA2 (laminin subunit alpha 2; plus strand). Cytogenetic location: 6q22.33.
Variant type: single nucleotide variant.
Coding change: c.258C>A on transcript NM_000426.4 (MANE Select); coding-DNA position 258, C replaced by A.
Protein change: p.Cys86Ter; replaces cysteine 86 with a stop codon.
Molecular consequence: nonsense.
Genome position (GRCh38, 1-based): chr6:129,050,063, C>A. VCF-style: chr6-129050063-C-A. GRCh37 (hg19) VCF-style: chr6-129371208-C-A.
Other names: c.258C>A, p.Cys86Ter (NM_001079823.2); short protein forms C86*.
Identifiers: ClinVar variation 3251299 (VCV003251299.1), dbSNP rs756131313.
Genomic context (GRCh38, chr6:129,050,063, plus strand): 5'-CTGCAAATTGGTAGAACATGTCCCTGGGCAGCCTGTGAGGAACCCGCAGTGTCGAATCTG[C>A]AATCAAAACAGCAGCAATCCAAACCGTATGTATTTTAGTGTGTAGGTGTGTGGCGCTGGG-3'